The following is an entry in ClinVar:

ClinVar aggregate classification (germline): Benign/Likely benign. Review status: criteria provided, multiple submitters, no conflicts (2 of 4 stars). 3 submissions from 3 submitters: Benign (1); Likely benign (1). 1 of the submissions does not count toward it. Last evaluated 2025-05-18.

Conditions:
EP300-related disorder. Also called: EP300-related disorders; EP300-related condition.
Rubinstein-Taybi syndrome due to EP300 haploinsufficiency. Also called: RUBINSTEIN-TAYBI SYNDROME 2; EP300-Related Rubinstein-Taybi Syndrome. Identifiers: Orphanet 353284, Orphanet 783, MedGen C3150941, MONDO:0013364, OMIM 613684.

gnomAD v4.1: 16 of 1,614,124 alleles (0.00099%); highest among the groups gnomAD compares: African/African-American, 0.008%; no homozygotes.

Submissions (3):

Labcorp Genetics (formerly Invitae), Labcorp
Classification: Benign for Rubinstein-Taybi syndrome due to EP300 haploinsufficiency. Last evaluated: 2025-05-18. Review status: criteria provided, single submitter. Criteria: Invitae Variant Classification Sherloc (09022015). Collection method: clinical testing. Allele origin: germline.

GeneDx
Classification: Likely benign. Last evaluated: 2021-06-07. Review status: criteria provided, single submitter. Criteria: GeneDx Variant Classification Process June 2021. Collection method: clinical testing. Allele origin: germline. Affected: yes.

PreventionGenetics, part of Exact Sciences
Classification: Likely benign for EP300-related condition. Last evaluated: 2023-11-17. Review status: no assertion criteria provided. Collection method: clinical testing. Allele origin: germline. Not counted in ClinVar's aggregate classification.
Comment: This variant is classified as likely benign based on ACMG/AMP sequence variant interpretation guidelines (Richards et al. 2015 PMID: 25741868, with internal and published modifications).

NM_001429.4(EP300):c.4687C>T (p.Leu1563=)

Gene: EP300 (EP300 lysine acetyltransferase; plus strand). Cytogenetic location: 22q13.2.
Variant type: single nucleotide variant.
Coding change: c.4687C>T on transcript NM_001429.4 (MANE Select); coding-DNA position 4687, C replaced by T.
Protein change: p.Leu1563=; no amino-acid change (leucine 1563 retained).
Molecular consequence: synonymous variant.
Genome position (GRCh38, 1-based): chr22:41,173,692, C>T. VCF-style: chr22-41173692-C-T. GRCh37 (hg19) VCF-style: chr22-41569696-C-T.
Other names: c.4609C>T, p.Leu1537= (NM_001362843.2).
Identifiers: ClinVar variation 1327706 (VCV001327706.8), dbSNP rs564848230, ClinGen allele CA10253495.